The following is an entry in ClinVar:

NM_000136.3(FANCC):c.1310A>G (p.Gln437Arg)

Genes: FANCC (FA complementation group C; minus strand), AOPEP (aminopeptidase O (putative); plus strand). Cytogenetic location: 9q22.32.
Variant type: single nucleotide variant.
Coding change: c.1310A>G on transcript NM_000136.3 (MANE Select); coding-DNA position 1310, A replaced by G.
Protein change: p.Gln437Arg; replaces glutamine 437 with arginine.
Molecular consequence: missense variant.
Genome position (GRCh38, 1-based): chr9:95,111,482, T>C on the plus strand (A>G on the coding strand, the complement: FANCC is on the minus strand). VCF-style: chr9-95111482-T-C. GRCh37 (hg19) VCF-style: chr9-97873764-T-C.
Other names: c.1310A>G, p.Gln437Arg (NM_001243743.2, NM_001243744.2); short protein forms Q437R.
Identifiers: ClinVar variation 970441 (VCV000970441.19), dbSNP rs912537449, ClinGen allele CA374107260.

ClinVar aggregate classification (germline): Conflicting classifications of pathogenicity. Review status: criteria provided, conflicting classifications (1 of 4 stars). 5 submissions from 5 submitters: Uncertain significance (3); Likely benign (1). 1 of the submissions does not count toward it. Last evaluated 2025-09-03.

Conditions:
Hereditary cancer-predisposing syndrome. Also called: Neoplastic Syndromes, Hereditary; Hereditary Cancer Syndrome; Tumor predisposition; Hereditary neoplastic syndrome. Identifiers: Orphanet 140162, MedGen C0027672, MeSH D009386, MONDO:0015356.
Fanconi anemia (FA). Also called: Fanconi's anemia. Identifiers: Orphanet 84, MedGen C0015625, MeSH D005199, MONDO:0019391.
Fanconi anemia complementation group C (FANCC). Also called: FANCONI PANCYTOPENIA, TYPE 3; FACC; Fanconi anemia, group C; FANCC-Related Fanconi Anemia. Identifiers: Orphanet 84, MedGen C3468041, MONDO:0009213, OMIM 227645.

Allele frequency attached by ClinVar (database versions not stated): gnomAD 0.00001; TOPMed 0.00002.
gnomAD v4.1: 6 of 1,613,544 alleles (0.00037%); highest among the groups gnomAD compares: African/African-American, 0.0027%; no homozygotes.

Submissions (5):

Labcorp Genetics (formerly Invitae), Labcorp
Classification: Uncertain significance for Fanconi anemia. Last evaluated: 2025-09-03. Review status: criteria provided, single submitter. Criteria: Invitae Variant Classification Sherloc (09022015). Collection method: clinical testing. Allele origin: germline.
Comment: This sequence change replaces glutamine, which is neutral and polar, with arginine, which is basic and polar, at codon 437 of the FANCC protein (p.Gln437Arg). This variant is not present in population databases (gnomAD no frequency). This variant has not been reported in the literature in individuals affected with FANCC-related conditions. ClinVar contains an entry for this variant (Variation ID: 970441). Invitae Evidence Modeling of protein sequence and biophysical properties (such as structural, functional, and spatial information, amino acid conservation, physicochemical variation, residue mobility, and thermodynamic stability) indicates that this missense variant is not expected to disrupt FANCC protein function with a negative predictive value of 80%. In summary, the available evidence is currently insufficient to determine the role of this variant in disease. Therefore, it has been classified as a Variant of Uncertain Significance.

Ambry Genetics
Classification: Likely benign for Hereditary cancer-predisposing syndrome. Last evaluated: 2024-07-09. Review status: criteria provided, single submitter. Criteria: Ambry Variant Classification Scheme 2023. Collection method: clinical testing. Allele origin: germline.

GeneDx
Classification: Uncertain significance. Last evaluated: 2023-02-09. Review status: criteria provided, single submitter. Criteria: GeneDx Variant Classification Process June 2021. Collection method: clinical testing. Allele origin: germline. Affected: yes.
Comment: Not observed at significant frequency in large population cohorts (gnomAD); In silico analysis supports that this missense variant does not alter protein structure/function; Has not been previously published as pathogenic or benign to our knowledge

Fulgent Genetics
Classification: Uncertain significance for Fanconi anemia complementation group C. Last evaluated: 2022-04-22. Review status: criteria provided, single submitter. Criteria: ACMG Guidelines, 2015. Collection method: clinical testing. Allele origin: unknown.

Natera, Inc.
Classification: Uncertain significance for Fanconi anemia. Last evaluated: 2019-10-25. Review status: no assertion criteria provided. Collection method: clinical testing. Allele origin: germline. Not counted in ClinVar's aggregate classification.